The following is an entry in ClinVar:

NM_001281740.3(FHOD3):c.3101C>T (p.Pro1034Leu)

Gene: FHOD3 (formin homology 2 domain containing 3; plus strand). Cytogenetic location: 18q12.2.
Variant type: single nucleotide variant.
Coding change: c.3101C>T on transcript NM_001281740.3 (MANE Select); coding-DNA position 3101, C replaced by T.
Protein change: p.Pro1034Leu; replaces proline 1034 with leucine.
Molecular consequence: missense variant.
Genome position (GRCh38, 1-based): chr18:36,718,399, C>T. VCF-style: chr18-36718399-C-T. GRCh37 (hg19) VCF-style: chr18-34298362-C-T.
Other names: c.2525C>T, p.Pro842Leu (NM_001281739.3); c.2576C>T, p.Pro859Leu (NM_025135.5); short protein forms P1034L, P842L, P859L.
Identifiers: ClinVar variation 3764441 (VCV003764441.1).
Genomic context (GRCh38, chr18:36,718,399, plus strand): 5'-GTCACAGGGAGGCCCCTGGGCCACCTCCCCCACCCCCACCCACCTTTCTGGGTTTGCCGC[C>T]CCCACCCCCTCCGCCCCTGTTGGACAGCATTCCTCCCCCTCCTGTCCCTGGTAATTTATT-3'
Protein context (NP_001268669.1, residues 1024-1044): PPPPTFLGLP[Pro1034Leu]PPPPPLLDSI

ClinVar aggregate classification (germline): Uncertain significance (1 of 4 stars; one submission).

Submission:

GeneDx
Classification: Uncertain significance. Last evaluated: 2024-08-21. Review status: criteria provided, single submitter. Criteria: GeneDx Variant Classification Process June 2021. Collection method: clinical testing. Allele origin: germline. Affected: yes.
Comment: Not observed at significant frequency in large population cohorts (gnomAD); In silico analysis supports that this missense variant has a deleterious effect on protein structure/function; Has not been previously published as pathogenic or benign to our knowledge